The following is an entry in ClinVar:

NM_001035.3(RYR2):c.1069G>A (p.Gly357Ser)

Gene: RYR2 (ryanodine receptor 2; plus strand). Cytogenetic location: 1q43.
Variant type: single nucleotide variant.
Coding change: c.1069G>A on transcript NM_001035.3 (MANE Select); coding-DNA position 1069, G replaced by A.
Protein change: p.Gly357Ser; replaces glycine 357 with serine.
Molecular consequence: missense variant.
Genome position (GRCh38, 1-based): chr1:237,441,382, G>A. VCF-style: chr1-237441382-G-A. GRCh37 (hg19) VCF-style: chr1-237604682-G-A.
Other names: c.1069G>A, p.Gly357Ser (LRG_402t1); short protein forms G357S.
Identifiers: ClinVar variation 519533 (VCV000519533.23), dbSNP rs1401116572, ClinGen allele CA345376136.

ClinVar aggregate classification (germline): Pathogenic. Review status: criteria provided, multiple submitters, no conflicts (2 of 4 stars). 9 submissions from 9 submitters: Pathogenic (5). 4 of the submissions do not count toward it. Last evaluated 2025-07-06.

Conditions:
Cardiovascular phenotype. Identifiers: MedGen CN230736.
Catecholaminergic polymorphic ventricular tachycardia 1. Also called: RYR2-Related Catecholaminergic Polymorphic Ventricular Tachycardia; VENTRICULAR TACHYCARDIA, CATECHOLAMINERGIC POLYMORPHIC, 1, WITH OR WITHOUT ATRIAL DYSFUNCTION AND/OR DILATED CARDIOMYOPATHY; VENTRICULAR TACHYCARDIA, STRESS-INDUCED POLYMORPHIC 1. Identifiers: Orphanet 3286, MedGen C1631597, MONDO:0011484, OMIM 604772.
Cardiomyopathy (CMYO). Also called: Cardiomyopathies. Identifiers: Orphanet 167848, MedGen C0878544, MONDO:0004994, HP:0001638. Inheritance: Various modes of inheritance.

Allele frequency attached by ClinVar (database versions not stated): gnomAD exomes below 0.00001.

Submissions (9):

Labcorp Genetics (formerly Invitae), Labcorp
Classification: Pathogenic for Catecholaminergic polymorphic ventricular tachycardia 1. Last evaluated: 2025-07-06. Review status: criteria provided, single submitter. Criteria: Invitae Variant Classification Sherloc (09022015). Collection method: clinical testing. Allele origin: germline.
Comment: This sequence change replaces glycine, which is neutral and non-polar, with serine, which is neutral and polar, at codon 357 of the RYR2 protein (p.Gly357Ser). This variant is not present in population databases (gnomAD no frequency). This missense change has been observed in individuals with autosomal dominant RYR2-related conditions (PMID: 22068070, 25814417; internal data). It has also been observed to segregate with disease in related individuals. ClinVar contains an entry for this variant (Variation ID: 519533). Invitae Evidence Modeling of protein sequence and biophysical properties (such as structural, functional, and spatial information, amino acid conservation, physicochemical variation, residue mobility, and thermodynamic stability) has been performed for this missense variant. However, the output from this modeling did not meet the statistical confidence thresholds required to predict the impact of this variant on RYR2 protein function. Experimental studies have shown that this missense change affects RYR2 function (PMID: 25814417, 28961276). For these reasons, this variant has been classified as Pathogenic.

GeneDx
Classification: Pathogenic. Last evaluated: 2023-10-18. Review status: criteria provided, single submitter. Criteria: GeneDx Variant Classification Process June 2021. Collection method: clinical testing. Allele origin: germline. Affected: yes.
Comment: Not observed at significant frequency in large population cohorts (gnomAD); Published functional studies demonstrate a damaging effect as this variant results in an increase in caffeine sensitivity and store overload-induced calcium release activity compared to wild-type while under conditions that mimic catecholaminergic stress (PMID: 25814417); Located in one of the three hot-spot regions of the RYR2 gene, where the majority of pathogenic missense variants occur (PMID: 19926015); In silico analysis supports that this missense variant has a deleterious effect on protein structure/function; This variant is associated with the following publications: (PMID: 24025405, 24136861, 28961276, 28789916, 30847666, 31112425, 30063211, 19926015, 35176171, 30763784, 35135837, 22068070, 25814417)

Color Diagnostics, LLC DBA Color Health
Classification: Pathogenic for Cardiomyopathy. Last evaluated: 2022-04-07. Review status: criteria provided, single submitter. Criteria: ACMG Guidelines, 2015. Collection method: clinical testing. Allele origin: germline.
Comment: This missense variant replaces glycine with serine at codon 357 in the cytoplasmic MIR domain of the RYR2 protein. Computational prediction suggests that this variant may have deleterious impact on protein structure and function (internally defined REVEL score threshold >= 0.7, PMID: 27666373). Functional studies have shown that this variant causes instability of the N-terminal region and increased propensity for spontaneous calcium release from the sarcoplasmic reticulum in conditions that mimic beta-adrenergic stimulations (PMID: 25814417, 28961276). This variant has been identified in about 180 individuals from a large, multi-generational pedigree affected with catecholaminergic polymorphic ventricular tachycardia (CPVT), including 9 individuals affected with sudden cardiac death during youth and 40 individuals who received an implantable cardioverter defibrillator (PMID: 25814417). In the serial exercise treadmill test, 74% of the carriers exhibited complex ventricular arrhythmias. This variant has also been reported in another 12 individuals affected with CPVT from at least 8 different families (PMID: 19926015, 22068070, 24136861, 29453246, 30763784, 31112425, 32091590, communication with an external laboratory, ClinVar SCV001817325.1). This variant has not been identified in the general population by the Genome Aggregation Database (gnomAD). Based on the available evidence, this variant is classified as Pathogenic.

Ambry Genetics
Classification: Pathogenic for Cardiovascular phenotype. Last evaluated: 2021-07-21. Review status: criteria provided, single submitter. Criteria: Ambry Variant Classification Scheme 2023. Collection method: clinical testing. Allele origin: germline.
Comment: The p.G357S pathogenic mutation (also known as c.1069G>A), located in coding exon 13 of the RYR2 gene, results from a G to A substitution at nucleotide position 1069. The glycine at codon 357 is replaced by serine, an amino acid with similar properties. This mutation has been previously described in patients with catecholaminergic polymorphic ventricular tachycardia (CPVT) (Medeiros-Domingo A et al. J. Am. Coll. Cardiol., 2009 Nov;54:2065-74; Heiner JD et al. Pediatr Emerg Care, 2011 Nov;27:1065-8). This mutation was identified in a very large family with multiple cases of CPVT, including sudden cardiac death in youth, and strong segregation with the disease was demonstrated (Wang&uuml;emert F et al. Heart Rhythm, 2015 Jul;12:1636-43). In vitro studies suggested that this mutation resulted in reduced protein expression and increased release of calcium from intracellular stores under conditions that mimic beta-adrenergic stimulation (Wang&uuml;emert F et al. Heart Rhythm, 2015 Jul;12:1636-43; Liu Y et al. PLoS ONE, 2017 Sep;12:e0184177). Based on the supporting evidence, this alteration is interpreted as a disease-causing mutation.

Victorian Clinical Genetics Services, Murdoch Childrens Research Institute
Classification: Pathogenic for Catecholaminergic polymorphic ventricular tachycardia 1. Last evaluated: 2021-05-06. Review status: criteria provided, single submitter. Criteria: ACMG Guidelines, 2015. Collection method: clinical testing. Allele origin: germline. Inheritance: Autosomal dominant inheritance. Affected: yes.
Comment: Based on the classification scheme VCGS_Germline_v1.3.4, this variant is classified as Pathogenic. Following criteria are met: 0103 - Dominant negative and gain of function are known mechanisms of disease in this gene and are associated with catecholaminergic polymorphic ventricular tachycardia 1 (CPVT) (MIM#604772) (PMID: 12459180, PMID: 27646203, PMID: 29477366). (I) 0107 - This gene is associated with autosomal dominant disease. (I) 0112 - The condition associated with this gene has incomplete penetrance. Penetrance for CPVT is estimated to be 60-70% (PMID: 23549275). (I) 0200 - Variant is predicted to result in a missense amino acid change from glycine to serine. (I) 0251 - This variant is heterozygous. (I) 0301 - Variant is absent from gnomAD (both v2 and v3). (SP) 0309 - An alternative amino acid change at the same position has been observed in gnomAD (v2) (4 heterozygotes, 0 homozygotes). (I) 0501 - Missense variant consistently predicted to be damaging by multiple in silico tools or highly conserved with a major amino acid change. (SP) 0602 - Variant is located in a hotspot region or cluster of pathogenic variants. This variant is found within an established missense variant hotspot within the N-terminal domain (PMID: 19926015). (SP) 0710 - Another missense variant comparable to the one identified in this case has inconclusive previous evidence for pathogenicity. This variant (p.Gly357Asp) was classified as a VUS, and identified in an individual as an incidental finding (PMID: 28404607). (I) 0801 - This variant has strong previous evidence of pathogenicity in unrelated individuals. This variant has been classified as pathogenic (LOVD, ClinVar), and observed in multiple families with incomplete penetrance, with either an unspecific arrhythmia, or catecholaminergic polymorphic ventricular tachycardia (PMID: 19926015, PMID: 22068070, PMID: 25814417, PMID: 30763784, PMID: 30847666). (SP) 1002 - This variant has moderate functional evidence supporting abnormal protein function. Transfected HEK293 cells demonstrated a greater sensitivity to caffeine and forskolin, mimicking catecholaminergic stress conditions (PMID: 25814417). (SP) 1208 - Inheritance information for this variant is not currently available in this individual. (I) Legend: (SP) - Supporting pathogenic, (I) - Information, (SB) - Supporting benign

Clinical Genetics DNA and cytogenetics Diagnostics Lab, Erasmus MC, Erasmus Medical Center
Classification: Pathogenic. Review status: no assertion criteria provided. Collection method: clinical testing. Allele origin: germline. Affected: yes. Study: VKGL Data-share Consensus. Not counted in ClinVar's aggregate classification.

Clinical Genetics, Academic Medical Center
Classification: Pathogenic. Review status: no assertion criteria provided. Collection method: clinical testing. Allele origin: germline. Affected: yes. Study: VKGL Data-share Consensus. Not counted in ClinVar's aggregate classification.

Diagnostic Laboratory, Department of Genetics, University Medical Center Groningen
Classification: Pathogenic. Review status: no assertion criteria provided. Collection method: clinical testing. Allele origin: germline. Affected: yes. Study: VKGL Data-share Consensus. Not counted in ClinVar's aggregate classification.

Genome Diagnostics Laboratory, University Medical Center Utrecht
Classification: Pathogenic. Review status: no assertion criteria provided. Collection method: clinical testing. Allele origin: germline. Affected: yes. Study: VKGL Data-share Consensus. Not counted in ClinVar's aggregate classification.

Literature cited by the submitters: PubMed 22068070 (cited by 4 submitters); PubMed 25814417 (cited by 4 submitters); PubMed 28961276 (cited by 3 submitters); PubMed 19926015 (cited by 3 submitters); PubMed 24136861 (cited by Color Diagnostics, LLC DBA Color Health); PubMed 29453246 (cited by Color Diagnostics, LLC DBA Color Health); PubMed 30763784 (cited by Color Diagnostics, LLC DBA Color Health and Victorian Clinical Genetics Services, Murdoch Childrens Research Institute); PubMed 31112425 (cited by Color Diagnostics, LLC DBA Color Health); PubMed 32091590 (cited by Color Diagnostics, LLC DBA Color Health); PubMed 12459180 (cited by Victorian Clinical Genetics Services, Murdoch Childrens Research Institute); PubMed 23549275 (cited by Victorian Clinical Genetics Services, Murdoch Childrens Research Institute); PubMed 27646203 (cited by Victorian Clinical Genetics Services, Murdoch Childrens Research Institute); PubMed 28404607 (cited by Victorian Clinical Genetics Services, Murdoch Childrens Research Institute); PubMed 29477366 (cited by Victorian Clinical Genetics Services, Murdoch Childrens Research Institute); PubMed 30847666 (cited by Victorian Clinical Genetics Services, Murdoch Childrens Research Institute).